The following is an entry in ClinVar:

NM_000080.4(CHRNE):c.951_954del (p.Ile318fs)

Genes: C17orf107 (chromosome 17 open reading frame 107; plus strand), CHRNE (cholinergic receptor nicotinic epsilon subunit; minus strand). Cytogenetic location: 17p13.2.
Variant type: Deletion.
Coding change: c.951_954del on transcript NM_000080.4 (MANE Select); coding-DNA positions 951 to 954, 4 bases deleted (CATT; older notation c.951_954delCATT).
Protein change: p.Ile318fs; shifts the reading frame from isoleucine 318.
Molecular consequence: frameshift variant. On other transcripts: 5 prime UTR variant (1).
Genome position (GRCh38, 1-based): chr17:4,899,546-4,899,549, AATG deleted on the plus strand (CATT on the coding strand, the reverse complement: CHRNE is on the minus strand); deleting any 4 consecutive bases within chr17:4,899,546-4,899,550 gives the same sequence; the c. name uses the placement nearest the transcript's 3' end. VCF-style (leftmost placement, unchanged base first): chr17-4899545-CAATG-C. GRCh37 (hg19) VCF-style: chr17-4802840-CAATG-C.
Other names: c.-216_-213del (NM_001145536.2); short protein forms I318fs.
Identifiers: ClinVar variation 2035396 (VCV002035396.4), dbSNP rs2507544005, ClinGen allele CA2580093545.

ClinVar aggregate classification (germline): Pathogenic (1 of 4 stars; one submission).

Conditions:
Congenital myasthenic syndrome 4A. Also called: Myasthenic syndrome, congenital, 4a, slow-channel; CONGENITAL MYASTHENIC SYNDROME TYPE Ia1; MYASTHENIC SYNDROME, CONGENITAL, 4A, SLOW-CHANNEL, AUTOSOMAL RECESSIVE. Identifiers: Orphanet 590, MedGen C4225413, MONDO:0011600, OMIM 605809.

Submission:

Labcorp Genetics (formerly Invitae), Labcorp
Classification: Pathogenic for Congenital myasthenic syndrome 4A. Last evaluated: 2022-03-08. Review status: criteria provided, single submitter. Criteria: Invitae Variant Classification Sherloc (09022015). Collection method: clinical testing. Allele origin: germline.
Comment: This sequence change creates a premature translational stop signal (p.Ile318Serfs*2) in the CHRNE gene. It is expected to result in an absent or disrupted protein product. Loss-of-function variants in CHRNE are known to be pathogenic (PMID: 22678886). This variant is not present in population databases (gnomAD no frequency). This variant has not been reported in the literature in individuals affected with CHRNE-related conditions. For these reasons, this variant has been classified as Pathogenic.

Literature cited by the submitters: PubMed 22678886.